The following is an entry in ClinVar:

ClinVar aggregate classification (germline): Likely benign. Review status: criteria provided, multiple submitters, no conflicts (2 of 4 stars). 4 submissions from 4 submitters: Likely benign (4). Last evaluated 2026-01-26.

Conditions:
Infantile neuroaxonal dystrophy (NBIA2A). Also called: Infantile neuroaxonal dystrophy 1; NEURODEGENERATION WITH BRAIN IRON ACCUMULATION 2A; SEITELBERGER DISEASE. Identifiers: Orphanet 35069, MedGen C0270724, MONDO:0024457, OMIM 256600.
Neurodegeneration with brain iron accumulation 2B. Also called: aNAD; atypical Neuroaxonal Dystrophy (aNAD); NEUROAXONAL DYSTROPHY, ATYPICAL; NEURODEGENERATION WITH BRAIN IRON ACCUMULATION, PLA2G6-RELATED. Identifiers: Orphanet 35069, MedGen C1857747, MONDO:0012444, OMIM 610217.
Autosomal recessive Parkinson disease 14. Also called: PARKINSON DISEASE 14; DYSTONIA-PARKINSONISM, ADULT-ONSET. Identifiers: Orphanet 199351, MedGen C2751842, MONDO:0013060, OMIM 612953.

Allele frequency attached by ClinVar (database versions not stated): ExAC 0.00006; gnomAD exomes 0.00006 and 0.00012; ESP Exome Variant Server 0.00008; gnomAD 0.00011 and 0.00013; TOPMed 0.00014.
gnomAD v4.1: 105 of 1,613,068 alleles (0.0065%); highest among the groups gnomAD compares: Admixed American, 0.047%; 1 homozygote.

Submissions (4):

Labcorp Genetics (formerly Invitae), Labcorp
Classification: Likely benign for Infantile neuroaxonal dystrophy. Last evaluated: 2026-01-26. Review status: criteria provided, single submitter. Criteria: Invitae Variant Classification Sherloc (09022015). Collection method: clinical testing. Allele origin: germline.

CeGaT Center for Human Genetics Tuebingen
Classification: Likely benign. Last evaluated: 2023-11-01. Review status: criteria provided, single submitter. Criteria: CeGaT Center For Human Genetics Tuebingen Variant Classification Criteria Version 2. Collection method: clinical testing. Allele origin: germline. Affected: yes. Observed: 1 variant allele.
Comment: PLA2G6: BP4, BP7

Fulgent Genetics
Classification: Likely benign for Infantile neuroaxonal dystrophy; Neurodegeneration with brain iron accumulation 2B; Autosomal recessive Parkinson disease 14. Last evaluated: 2021-09-19. Review status: criteria provided, single submitter. Criteria: ACMG Guidelines, 2015. Collection method: clinical testing. Allele origin: unknown.

GeneDx
Classification: Likely benign. Last evaluated: 2021-01-30. Review status: criteria provided, single submitter. Criteria: GeneDx Variant Classification Process June 2021. Collection method: clinical testing. Allele origin: germline. Affected: yes.

NM_003560.4(PLA2G6):c.447C>T (p.Asn149=)

Gene: PLA2G6 (phospholipase A2 group VI; minus strand). Cytogenetic location: 22q13.1.
Variant type: single nucleotide variant.
Coding change: c.447C>T on transcript NM_003560.4 (MANE Select); coding-DNA position 447, C replaced by T.
Protein change: p.Asn149=; no amino-acid change (asparagine 149 retained).
Molecular consequence: synonymous variant. On other transcripts: 5 prime UTR variant (3).
Genome position (GRCh38, 1-based): chr22:38,143,267, G>A on the plus strand (C>T on the coding strand, the complement: PLA2G6 is on the minus strand). VCF-style: chr22-38143267-G-A. GRCh37 (hg19) VCF-style: chr22-38539274-G-A.
Other names: c.447C>T, p.Asn149= (NM_001004426.3, NM_001199562.3, NM_001349864.2 and 2 more transcripts); c.-88C>T (NM_001349867.2, NM_001349869.2); c.-44C>T (NM_001349868.2).
Identifiers: ClinVar variation 771568 (VCV000771568.37), dbSNP rs368631309, ClinGen allele CA10231248.
Genomic context (GRCh38, chr22:38,143,267, plus strand): 5'-CACCAGGATCTCCCCATCACCCTTGCGGCAGGCCAGGTGCAGGGGTGTGCAGCCCTCCTC[G>A]TTCTCCGCGCAATTGGCACAGCTGCAGGAGAGGGCCAGGGTGAGCAGAGGTGAGCAGGTG-3'
Protein context (NP_003551.2, residues 139-159): RIISCANCAE[Asn149=]EEGCTPLHLA